The following is an entry in ClinVar:

ClinVar aggregate classification (germline): Uncertain significance (1 of 4 stars; one submission).

Conditions:
FLNA-related disorder.

Submission:

PreventionGenetics, part of Exact Sciences
Classification: Uncertain significance for FLNA-related condition. Last evaluated: 2026-06-12. Review status: criteria provided, single submitter. Criteria: ACMG Guidelines, 2015. Collection method: clinical testing. Allele origin: germline.
Comment: The FLNA c.3629A>G variant is predicted to result in the amino acid substitution p.Gln1210Arg. To our knowledge, this variant has not been reported in the literature or in a large population database (gnomAD), indicating this variant is rare. At this time, the clinical significance of this variant is uncertain due to the absence of conclusive functional and genetic evidence.

NM_001110556.2(FLNA):c.3629A>G (p.Gln1210Arg)

Gene: FLNA (filamin A; minus strand). Cytogenetic location: Xq28.
Variant type: single nucleotide variant.
Coding change: c.3629A>G on transcript NM_001110556.2 (MANE Select); coding-DNA position 3629, A replaced by G.
Protein change: p.Gln1210Arg; replaces glutamine 1210 with arginine.
Molecular consequence: missense variant.
Genome position (GRCh38, 1-based): chrX:154,360,166, T>C on the plus strand (A>G on the coding strand, the complement: FLNA is on the minus strand). VCF-style: chrX-154360166-T-C. GRCh37 (hg19) VCF-style: chrX-153588534-T-C.
Other names: c.3629A>G, p.Gln1210Arg (NM_001456.4); short protein forms Q1210R.
Identifiers: ClinVar variation 4986918 (VCV004986918.1).